The following is an entry in ClinVar:

ClinVar aggregate classification (germline): Pathogenic/Likely pathogenic. Review status: criteria provided, multiple submitters, no conflicts (2 of 4 stars). 2 submissions from 2 submitters: Pathogenic (1); Likely pathogenic (1). Last evaluated 2024-05-26.

Conditions:
Dyskeratosis congenita, autosomal recessive 6 (DKCB6). Identifiers: MedGen C4225356, MONDO:0014600, OMIM 616353.
Pulmonary fibrosis and/or bone marrow failure, Telomere-related, 4. Also called: PULMONARY FIBROSIS AND/OR BONE MARROW FAILURE SYNDROME, TELOMERE-RELATED, 4. Identifiers: Orphanet 2032, MedGen C4225347, MONDO:0014612, OMIM 616371.

Submissions (2):

Labcorp Genetics (formerly Invitae), Labcorp
Classification: Pathogenic for Dyskeratosis congenita, autosomal recessive 6; Pulmonary fibrosis and/or bone marrow failure, Telomere-related, 4. Last evaluated: 2024-05-26. Review status: criteria provided, single submitter. Criteria: Invitae Variant Classification Sherloc (09022015). Collection method: clinical testing. Allele origin: germline.
Comment: This sequence change creates a premature translational stop signal (p.Glu253Alafs*13) in the PARN gene. It is expected to result in an absent or disrupted protein product. Loss-of-function variants in PARN are known to be pathogenic (PMID: 9736620, 25848748, 26810774). This variant is not present in population databases (gnomAD no frequency). This variant has not been reported in the literature in individuals affected with PARN-related conditions. For these reasons, this variant has been classified as Pathogenic.

Center for Genomics, Ann and Robert H. Lurie Children's Hospital of Chicago
Classification: Likely pathogenic for Dyskeratosis congenita, autosomal recessive 6; Pulmonary fibrosis and/or bone marrow failure, Telomere-related, 4. Review status: criteria provided, single submitter. Criteria: ACMG Guidelines, 2015. Collection method: clinical testing. Allele origin: germline.
Comment: PARN NM_002582.3 exon 11 p.Glu253Alafs*13 (c.758_759del):This variant has not been reported in the literature and is not present in large control databases. Evolutionary conservation and computational predictive tools for this variant are limited or unavailable. This variant is a deletion of 2 nucleotides at position 758 and creates a premature stop codon 13 amino acids downstream from this location which results in an absent or abnormal protein. Loss of function variants have been reported in association with disease for this gene (Kropski 2017 PMID:28414520). In summary, data on this variant is highly suspicious for disease, but requires further evidence for pathogenicity. Therefore, this variant is classified as Likely Pathogenic

Literature cited by the submitters: PubMed 9736620 (cited by Labcorp Genetics (formerly Invitae), Labcorp); PubMed 25848748 (cited by Labcorp Genetics (formerly Invitae), Labcorp); PubMed 26810774 (cited by Labcorp Genetics (formerly Invitae), Labcorp).

NM_002582.4(PARN):c.758_759del (p.Glu253fs)

Gene: PARN (poly(A)-specific ribonuclease; minus strand). Cytogenetic location: 16p13.12.
Variant type: Microsatellite.
Coding change: c.758_759del on transcript NM_002582.4 (MANE Select); coding-DNA positions 758 to 759, 2 bases deleted (AG; older notation c.758_759delAG).
Protein change: p.Glu253fs; shifts the reading frame from glutamic acid 253.
Molecular consequence: frameshift variant.
Genome position (GRCh38, 1-based): chr16:14,604,170-14,604,171, CT deleted on the plus strand (AG on the coding strand, the reverse complement: PARN is on the minus strand); deleting any 2 consecutive bases within chr16:14,604,170-14,604,175 gives the same sequence; the c. name uses the placement nearest the transcript's 3' end. VCF-style (leftmost placement, unchanged base first): chr16-14604169-GCT-G. GRCh37 (hg19) VCF-style: chr16-14698026-GCT-G.
Other names: c.575_576del, p.Glu192fs (NM_001134477.3); c.620_621del, p.Glu207fs (NM_001242992.2); short protein forms E192fs, E207fs, E253fs.
Identifiers: ClinVar variation 1675108 (VCV001675108.5), dbSNP rs2151787383, ClinGen allele CA2580613426.
Genomic context (GRCh38, chr16:14,604,169, plus strand): 5'-ATTTCTCACCCCCCAAGAATTAACATAGCCCAATTACCTGTTCTTTGGCATGTTTCTGCT[GCT>G]CTCTTCTTTTGCGTTCTTCTTCATCTACTTTGCTGATAACTATATATCGCTCCTTCTAAA-3'